The following is an entry in ClinVar:

NM_000038.6(APC):c.1501G>T (p.Ala501Ser)

Gene: APC (APC regulator of Wnt signaling pathway; plus strand). Cytogenetic location: 5q22.2.
Variant type: single nucleotide variant.
Coding change: c.1501G>T on transcript NM_000038.6 (MANE Select); coding-DNA position 1501, G replaced by T.
Protein change: p.Ala501Ser; replaces alanine 501 with serine.
Molecular consequence: missense variant.
Genome position (GRCh38, 1-based): chr5:112,827,200, G>T. VCF-style: chr5-112827200-G-T. GRCh37 (hg19) VCF-style: chr5-112162897-G-T.
Other names: c.1501G>T (NM_000038.5); c.1501G>T, p.Ala501Ser (NM_001127510.3, NM_001354895.2, NM_001407450.1); c.1447G>T, p.Ala483Ser (NM_001127511.3); c.1555G>T, p.Ala519Ser (NM_001354896.2, NM_001407447.1, NM_001407448.1 and 1 more transcripts); c.1531G>T, p.Ala511Ser (NM_001354897.2); c.1426G>T, p.Ala476Ser (NM_001354898.2); c.1417G>T, p.Ala473Ser (NM_001354899.2); c.1378G>T, p.Ala460Ser (NM_001354900.2); and 12 more; short protein forms A218S, A375S, A418S, A476S, A491S, A494S, A511S, A372S.
Identifiers: ClinVar variation 2700949 (VCV002700949.4), dbSNP rs767897109, ClinGen allele CA16024588.

ClinVar aggregate classification (germline): Uncertain significance. Review status: criteria provided, multiple submitters, no conflicts (2 of 4 stars). 2 submissions from 2 submitters: Uncertain significance (2). Last evaluated 2026-02-20.

Conditions:
Hereditary cancer-predisposing syndrome. Also called: Tumor predisposition; Hereditary Cancer Syndrome; Hereditary neoplastic syndrome; Neoplastic Syndromes, Hereditary. Identifiers: Orphanet 140162, MedGen C0027672, MeSH D009386, MONDO:0015356.
Familial adenomatous polyposis 1 (FAP1). Also called: FAMILIAL ADENOMATOUS POLYPOSIS 1, ATTENUATED; POLYPOSIS, ADENOMATOUS INTESTINAL. Identifiers: MedGen C2713442, MONDO:0021056, OMIM 175100. Disease mechanism: loss of function.

Submissions (2):

Ambry Genetics
Classification: Uncertain significance for Hereditary cancer-predisposing syndrome. Last evaluated: 2026-02-20. Review status: criteria provided, single submitter. Criteria: Ambry Variant Classification Scheme 2023. Collection method: clinical testing. Allele origin: germline.
Comment: The p.A501S variant (also known as c.1501G>T), located in coding exon 11 of the APC gene, results from a G to T substitution at nucleotide position 1501. The alanine at codon 501 is replaced by serine, an amino acid with similar properties. This amino acid position is conserved. In addition, in silico predictors for this gene do not accurately predict pathogenicity. Based on the available evidence, the clinical significance of this variant remains unclear.

Labcorp Genetics (formerly Invitae), Labcorp
Classification: Uncertain significance for Familial adenomatous polyposis 1. Last evaluated: 2024-04-22. Review status: criteria provided, single submitter. Criteria: Invitae Variant Classification Sherloc (09022015). Collection method: clinical testing. Allele origin: germline.
Comment: This sequence change replaces alanine, which is neutral and non-polar, with serine, which is neutral and polar, at codon 501 of the APC protein (p.Ala501Ser). This variant is not present in population databases (gnomAD no frequency). This variant has not been reported in the literature in individuals affected with APC-related conditions. Advanced modeling of protein sequence and biophysical properties (such as structural, functional, and spatial information, amino acid conservation, physicochemical variation, residue mobility, and thermodynamic stability) performed at Invitae indicates that this missense variant is not expected to disrupt APC protein function with a negative predictive value of 95%. In summary, the available evidence is currently insufficient to determine the role of this variant in disease. Therefore, it has been classified as a Variant of Uncertain Significance.